The following is an entry in ClinVar:

NM_002691.4(POLD1):c.1516C>A (p.Arg506Ser)

Gene: POLD1 (DNA polymerase delta 1, catalytic subunit; plus strand). Cytogenetic location: 19q13.33.
Variant type: single nucleotide variant.
Coding change: c.1516C>A on transcript NM_002691.4 (MANE Select); coding-DNA position 1516, C replaced by A.
Protein change: p.Arg506Ser; replaces arginine 506 with serine.
Molecular consequence: missense variant. On other transcripts: non-coding transcript variant (1).
Genome position (GRCh38, 1-based): chr19:50,407,004, C>A. VCF-style: chr19-50407004-C-A. GRCh37 (hg19) VCF-style: chr19-50910261-C-A.
Other names: c.1516C>A, p.Arg506Ser (NM_001256849.1, NM_001308632.1); short protein forms R506S.
Identifiers: ClinVar variation 1484298 (VCV001484298.8), dbSNP rs528292347, ClinGen allele CA406980786.

ClinVar aggregate classification (germline): Uncertain significance (1 of 4 stars; one submission).

Conditions:
POLD1-related polyposis and colorectal cancer syndrome (CRCS10). Also called: Colorectal cancer 10; COLORECTAL CANCER, SUSCEPTIBILITY TO, ON CHROMOSOME 19q; Colorectal cancer, susceptibility to, 10. Identifiers: Orphanet 220460, MedGen C2675481, MONDO:0012953, OMIM 612591.

gnomAD v4.1: 2 of 1,607,328 alleles (0.00012%); highest among the groups gnomAD compares: Middle Eastern, 0.017%; no homozygotes.

Submission:

Labcorp Genetics (formerly Invitae), Labcorp
Classification: Uncertain significance for POLD1-related polyposis and colorectal cancer syndrome. Last evaluated: 2021-04-20. Review status: criteria provided, single submitter. Criteria: Invitae Variant Classification Sherloc (09022015). Collection method: clinical testing. Allele origin: germline.
Comment: This sequence change replaces arginine with serine at codon 506 of the POLD1 protein (p.Arg506Ser). The arginine residue is highly conserved and there is a moderate physicochemical difference between arginine and serine. This variant is not present in population databases (ExAC no frequency). In summary, the available evidence is currently insufficient to determine the role of this variant in disease. Therefore, it has been classified as a Variant of Uncertain Significance. Algorithms developed to predict the effect of missense changes on protein structure and function are either unavailable or do not agree on the potential impact of this missense change (SIFT: "Deleterious"; PolyPhen-2: "Probably Damaging"; Align-GVGD: "Class C0"). This variant has not been reported in the literature in individuals with POLD1-related conditions.